The following is an entry in ClinVar:

NM_201384.3(PLEC):c.1767C>A (p.Ala589=)

Gene: PLEC (plectin; minus strand). Cytogenetic location: 8q24.3.
Variant type: single nucleotide variant.
Coding change: c.1767C>A on transcript NM_201384.3 (MANE Select); coding-DNA position 1767, C replaced by A.
Protein change: p.Ala589=; no amino-acid change (alanine 589 retained).
Molecular consequence: synonymous variant.
Genome position (GRCh38, 1-based): chr8:143,932,683, G>T on the plus strand (C>A on the coding strand, the complement: PLEC is on the minus strand). VCF-style: chr8-143932683-G-T. GRCh37 (hg19) VCF-style: chr8-145006851-G-T.
Other names: c.1848C>A, p.Ala616= (NM_000445.5, NM_001410941.1); c.1725C>A, p.Ala575= (NM_201378.4); c.1701C>A, p.Ala567= (NM_201379.3); c.2178C>A, p.Ala726= (NM_201380.4); c.1671C>A, p.Ala557= (NM_201381.3); c.1767C>A, p.Ala589= (NM_201382.4); c.1779C>A, p.Ala593= (NM_201383.3).
Identifiers: ClinVar variation 4982124 (VCV004982124.1).

ClinVar aggregate classification (germline): Likely benign (1 of 4 stars; one submission).

Conditions:
PLEC-related disorder. Also called: PLEC-related condition; PLEC-related disorders.

Submission:

PreventionGenetics, part of Exact Sciences
Classification: Likely benign for PLEC-related condition. Last evaluated: 2025-03-13. Review status: criteria provided, single submitter. Criteria: ACMG Guidelines, 2015. Collection method: clinical testing. Allele origin: germline.
Comment: This variant is classified as likely benign based on ACMG/AMP sequence variant interpretation guidelines (Richards et al. 2015 PMID: 25741868, with internal and published modifications).